The following is an entry in ClinVar:

ClinVar aggregate classification (germline): Uncertain significance (0 of 4 stars; one submission).

Conditions:
AKAP9-related disorder. Also called: AKAP9-related condition.

Submission:

PreventionGenetics, part of Exact Sciences
Classification: Uncertain significance for AKAP9-related condition. Last evaluated: 2024-02-01. Review status: no assertion criteria provided. Collection method: clinical testing. Allele origin: germline.
Comment: The AKAP9 c.6977A>C variant is predicted to result in the amino acid substitution p.Asp2326Ala. To our knowledge, this variant has not been reported in the literature or in a large population database, indicating this variant is rare. At this time, the clinical significance of this variant is uncertain due to the absence of conclusive functional and genetic evidence.

NM_005751.5(AKAP9):c.6977A>C (p.Asp2326Ala)

Gene: AKAP9 (A-kinase anchoring protein 9; plus strand). Cytogenetic location: 7q21.2.
Variant type: single nucleotide variant.
Coding change: c.6977A>C on transcript NM_005751.5 (MANE Select); coding-DNA position 6977, A replaced by C.
Protein change: p.Asp2326Ala; replaces aspartic acid 2326 with alanine.
Molecular consequence: missense variant.
Genome position (GRCh38, 1-based): chr7:92,079,110, A>C. VCF-style: chr7-92079110-A-C. GRCh37 (hg19) VCF-style: chr7-91708424-A-C.
Other names: c.1622A>C, p.Asp541Ala (NM_001379277.1); c.6953A>C, p.Asp2318Ala (NM_147185.3); short protein forms D2318A, D2326A, D541A.
Identifiers: ClinVar variation 3061296 (VCV003061296.2), dbSNP rs1157261703, ClinGen allele CA368134681.